The following is an entry in ClinVar:

ClinVar aggregate classification (germline): Uncertain significance (1 of 4 stars; one submission).

Submission:

Labcorp Genetics (formerly Invitae), Labcorp
Classification: Uncertain significance. Last evaluated: 2025-06-22. Review status: criteria provided, single submitter. Criteria: Invitae Variant Classification Sherloc (09022015). Collection method: clinical testing. Allele origin: germline.
Comment: This sequence change replaces lysine, which is basic and polar, with arginine, which is basic and polar, at codon 1374 of the ADGRV1 protein (p.Lys1374Arg). This variant is not present in population databases (gnomAD no frequency). This variant has not been reported in the literature in individuals affected with ADGRV1-related conditions. Invitae Evidence Modeling of protein sequence and biophysical properties (such as structural, functional, and spatial information, amino acid conservation, physicochemical variation, residue mobility, and thermodynamic stability) indicates that this missense variant is not expected to disrupt ADGRV1 protein function with a negative predictive value of 80%. In summary, the available evidence is currently insufficient to determine the role of this variant in disease. Therefore, it has been classified as a Variant of Uncertain Significance.

NM_032119.4(ADGRV1):c.4121A>G (p.Lys1374Arg)

Gene: ADGRV1 (adhesion G protein-coupled receptor V1; plus strand). Cytogenetic location: 5q14.3.
Variant type: single nucleotide variant.
Coding change: c.4121A>G on transcript NM_032119.4 (MANE Select); coding-DNA position 4121, A replaced by G.
Protein change: p.Lys1374Arg; replaces lysine 1374 with arginine.
Molecular consequence: missense variant. On other transcripts: non-coding transcript variant (1).
Genome position (GRCh38, 1-based): chr5:90,653,695, A>G. VCF-style: chr5-90653695-A-G. GRCh37 (hg19) VCF-style: chr5-89949512-A-G.
Other names: short protein forms K1374R.
Identifiers: ClinVar variation 4713064 (VCV004713064.1).
Genomic context (GRCh38, chr5:90,653,695, plus strand): 5'-ACTTTACATTCTCAGCTTGGGTAATGCCCAATGCCAATACGAATGGATTCATTATAGCGA[A>G]GGATGACGGTAATGGAAGCATCTACTACGGGGTAAAAATACAAACAAACGAATCCCATGT-3'
Protein context (NP_115495.3, residues 1364-1384): NANTNGFIIA[Lys1374Arg]DDGNGSIYYG